The following is an entry in ClinVar:

NM_138387.4(G6PC3):c.581G>A (p.Arg194Gln)

Gene: G6PC3 (glucose-6-phosphatase catalytic subunit 3; plus strand). Cytogenetic location: 17q21.31.
Variant type: single nucleotide variant.
Coding change: c.581G>A on transcript NM_138387.4 (MANE Select); coding-DNA position 581, G replaced by A.
Protein change: p.Arg194Gln; replaces arginine 194 with glutamine.
Molecular consequence: missense variant. On other transcripts: synonymous variant (1).
Genome position (GRCh38, 1-based): chr17:44,075,355, G>A. VCF-style: chr17-44075355-G-A. GRCh37 (hg19) VCF-style: chr17-42152723-G-A.
Other names: c.462G>A, p.Ala154= (NM_001319945.2); c.236G>A, p.Arg79Gln (NM_001384165.1, NM_001384166.1, NM_001384167.1 and 1 more transcripts); short protein forms R194Q, R79Q.
Identifiers: ClinVar variation 1015757 (VCV001015757.2), dbSNP rs759401453, ClinGen allele CA8596091.

ClinVar aggregate classification (germline): Uncertain significance (1 of 4 stars; one submission).

Conditions:
Autosomal recessive severe congenital neutropenia due to G6PC3 deficiency. Also called: G6PC3 Deficiency; NEUTROPENIA, SEVERE CONGENITAL, 4, AUTOSOMAL RECESSIVE. Identifiers: Orphanet 331176, MedGen C2751630, MONDO:0012930, OMIM 612541.

Allele frequency attached by ClinVar (database versions not stated): gnomAD exomes 0.00002; gnomAD 0.00003; TOPMed 0.00003; ExAC 0.00005.

Submission:

Labcorp Genetics (formerly Invitae), Labcorp
Classification: Uncertain significance for Autosomal recessive severe congenital neutropenia due to G6PC3 deficiency. Last evaluated: 2021-08-26. Review status: criteria provided, single submitter. Criteria: Invitae Variant Classification Sherloc (09022015). Collection method: clinical testing. Allele origin: germline.
Comment: This sequence change replaces arginine with glutamine at codon 194 of the G6PC3 protein (p.Arg194Gln). The arginine residue is moderately conserved and there is a small physicochemical difference between arginine and glutamine. This variant is present in population databases (rs759401453, ExAC 0.01%). This variant has not been reported in the literature in individuals affected with G6PC3-related conditions. Algorithms developed to predict the effect of missense changes on protein structure and function are either unavailable or do not agree on the potential impact of this missense change (SIFT: "Tolerated"; PolyPhen-2: "Possibly Damaging"; Align-GVGD: "Class C0"). In summary, the available evidence is currently insufficient to determine the role of this variant in disease. Therefore, it has been classified as a Variant of Uncertain Significance.